The following is an entry in ClinVar:

ClinVar aggregate classification (germline): Uncertain significance. Review status: criteria provided, multiple submitters, no conflicts (2 of 4 stars). 2 submissions from 2 submitters: Uncertain significance (2). Last evaluated 2024-04-19.

Conditions:
Hyperekplexia 3 (HKPX3). Also called: HYPEREKPLEXIA 3, AUTOSOMAL RECESSIVE; HYPEREKPLEXIA 3, AUTOSOMAL DOMINANT. Identifiers: Orphanet 3197, MedGen C3553288, MONDO:0013827, OMIM 614618.
Inborn genetic diseases. Identifiers: MedGen C0950123, MeSH D030342.

Allele frequency attached by ClinVar (database versions not stated): gnomAD exomes 0.00002; gnomAD 0.00003; TOPMed 0.00003.
gnomAD v4.1: 36 of 1,613,960 alleles (0.0022%); highest among the groups gnomAD compares: Non-Finnish European, 0.003%; no homozygotes.

Submissions (2):

Ambry Genetics
Classification: Uncertain significance for Inborn genetic diseases. Last evaluated: 2024-04-19. Review status: criteria provided, single submitter. Criteria: Ambry Variant Classification Scheme 2023. Collection method: clinical testing. Allele origin: germline.

Labcorp Genetics (formerly Invitae), Labcorp
Classification: Uncertain significance for Hyperekplexia 3. Last evaluated: 2022-07-05. Review status: criteria provided, single submitter. Criteria: Invitae Variant Classification Sherloc (09022015). Collection method: clinical testing. Allele origin: germline.
Comment: Advanced modeling of protein sequence and biophysical properties (such as structural, functional, and spatial information, amino acid conservation, physicochemical variation, residue mobility, and thermodynamic stability) performed at Invitae indicates that this missense variant is not expected to disrupt SLC6A5 protein function. ClinVar contains an entry for this variant (Variation ID: 1440439). This variant has not been reported in the literature in individuals affected with SLC6A5-related conditions. This variant is present in population databases (no rsID available, gnomAD 0.005%). This sequence change replaces glycine, which is neutral and non-polar, with arginine, which is basic and polar, at codon 447 of the SLC6A5 protein (p.Gly447Arg). In summary, the available evidence is currently insufficient to determine the role of this variant in disease. Therefore, it has been classified as a Variant of Uncertain Significance.

NM_004211.5(SLC6A5):c.1339G>C (p.Gly447Arg)

Gene: SLC6A5 (solute carrier family 6 member 5; plus strand). Cytogenetic location: 11p15.1.
Variant type: single nucleotide variant.
Coding change: c.1339G>C on transcript NM_004211.5 (MANE Select); coding-DNA position 1339, G replaced by C.
Protein change: p.Gly447Arg; replaces glycine 447 with arginine.
Molecular consequence: missense variant.
Genome position (GRCh38, 1-based): chr11:20,626,786, G>C. VCF-style: chr11-20626786-G-C. GRCh37 (hg19) VCF-style: chr11-20648332-G-C.
Other names: c.1339G>C (NM_004211.3); c.637G>C, p.Gly213Arg (NM_001318369.2); short protein forms G447R, G213R.
Identifiers: ClinVar variation 1440439 (VCV001440439.7), dbSNP rs1015398111, ClinGen allele CA218738680.